The following is an entry in ClinVar:

ClinVar aggregate classification (germline): Pathogenic (1 of 4 stars; one submission).

Submission:

Labcorp Genetics (formerly Invitae), Labcorp
Classification: Pathogenic. Last evaluated: 2019-03-08. Review status: criteria provided, single submitter. Criteria: Invitae Variant Classification Sherloc (09022015). Collection method: clinical testing. Allele origin: germline.
Comment: For these reasons, this variant has been classified as Pathogenic. This variant is not present in population databases (ExAC no frequency). This variant has not been reported in the literature in individuals with CLRN1-related conditions. Algorithms developed to predict the effect of sequence changes on RNA splicing suggest that this variant may create or strengthen a splice site, but this prediction has not been confirmed by published transcriptional studies. This variant disrupts the C-terminus of the CLRN1 protein. A different variant that disrupt this region (p.Tyr176*) has been determined to be pathogenic (PMID: 2145752, 22681893). This suggests that variants that disrupt this region of the protein are likely to be causative of disease. This sequence change results in a premature translational stop signal in the CLRN1 gene (p.Leu140*). While this is not anticipated to result in nonsense mediated decay, it is expected to disrupt the last 93 amino acids of the CLRN1 protein.

Literature cited by the submitters: PubMed 2145752; PubMed 22681893.

NM_174878.3(CLRN1):c.419T>A (p.Leu140Ter)

Gene: CLRN1 (clarin 1; minus strand). Cytogenetic location: 3q25.1.
Variant type: single nucleotide variant.
Coding change: c.419T>A on transcript NM_174878.3 (MANE Select); coding-DNA position 419, T replaced by A.
Protein change: p.Leu140Ter; replaces leucine 140 with a stop codon.
Molecular consequence: nonsense. On other transcripts: 3 prime UTR variant (1), non-coding transcript variant (1).
Genome position (GRCh38, 1-based): chr3:150,941,596, A>T on the plus strand (T>A on the coding strand, the complement: CLRN1 is on the minus strand). VCF-style: chr3-150941596-A-T. GRCh37 (hg19) VCF-style: chr3-150659383-A-T.
Other names: c.419T>A, p.Leu140Ter (NM_001195794.1); c.*33T>A (NM_001256819.2); c.191T>A, p.Leu64Ter (NM_052995.2); short protein forms L140*, L64*.
Identifiers: ClinVar variation 847350 (VCV000847350.9), dbSNP rs1713844309, ClinGen allele CA354955331.